The following is an entry in ClinVar:

ClinVar aggregate classification (germline): Pathogenic/Likely pathogenic. Review status: criteria provided, multiple submitters, no conflicts (2 of 4 stars). 4 submissions from 4 submitters: Pathogenic (1); Likely pathogenic (3). Last evaluated 2025-02-17.

Conditions:
Deficiency of steroid 17-alpha-monooxygenase. Also called: Congenital adrenal hyperplasia due to 17-alpha-hydroxylase deficiency; Congenital adrenal hyperplasia type 5; 17-alpha-hydroxylase/17,20-lyase deficiency; 17-ALPHA-HYDROXYLASE DEFICIENCY; ADRENAL HYPERPLASIA V. Identifiers: Orphanet 90793, MedGen C0268285, MONDO:0008730, OMIM 202110.

Allele frequency attached by ClinVar (database versions not stated): gnomAD exomes below 0.00001.
gnomAD v4.1: 2 of 1,601,804 alleles (0.00012%); highest among the groups gnomAD compares: Non-Finnish European, 0.00017%; no homozygotes.

Submissions (4):

Labcorp Genetics (formerly Invitae), Labcorp
Classification: Pathogenic. Last evaluated: 2025-02-17. Review status: criteria provided, single submitter. Criteria: Invitae Variant Classification Sherloc (09022015). Collection method: clinical testing. Allele origin: germline.
Comment: This sequence change replaces arginine, which is basic and polar, with cysteine, which is neutral and slightly polar, at codon 496 of the CYP17A1 protein (p.Arg496Cys). This variant is not present in population databases (gnomAD no frequency). This missense change has been observed in individual(s) with congenital adrenal hyperplasia (PMID: 1515452, 9888582). ClinVar contains an entry for this variant (Variation ID: 1524567). Invitae Evidence Modeling of protein sequence and biophysical properties (such as structural, functional, and spatial information, amino acid conservation, physicochemical variation, residue mobility, and thermodynamic stability) indicates that this missense variant is expected to disrupt CYP17A1 protein function with a positive predictive value of 95%. Experimental studies have shown that this missense change affects CYP17A1 function (PMID: 1515452). This variant disrupts the p.Arg496 amino acid residue in CYP17A1. Other variant(s) that disrupt this residue have been observed in individuals with CYP17A1-related conditions (PMID: 10720067, 16483711), which suggests that this may be a clinically significant amino acid residue. For these reasons, this variant has been classified as Pathogenic.

Natera, Inc.
Classification: Likely pathogenic for Deficiency of steroid 17-alpha-monooxygenase. Last evaluated: 2024-09-13. Review status: criteria provided, single submitter. Criteria: Natera Variant Classification Schema (03/2026). Collection method: clinical testing. Allele origin: germline.
Comment: The c.1486C>T variant in CYP17A1 is a missense variant predicted to cause substitution of arginine to cysteine at amino acid 496. This variant is rare in the general population with a frequency below the threshold expected for the associated phenotype(s). This variant has been observed in one or more individuals affected with the associated recessive disease, as either homozygous or compound heterozygous with a second variant (PMID: 35043964). Functional studies show that this variant may disrupt protein function (PMID: 35043964, 1515452). Computational prediction algorithms indicate this variant is likely to affect gene or protein function. Given the available evidence, this variant is classified as Likely Pathogenic.

Baylor Genetics
Classification: Likely pathogenic for Deficiency of steroid 17-alpha-monooxygenase. Last evaluated: 2022-08-31. Review status: criteria provided, single submitter. Criteria: ACMG Guidelines, 2015. Collection method: clinical testing. Allele origin: unknown.

Juno Genomics, Hangzhou Juno Genomics, Inc
Classification: Likely pathogenic for Deficiency of steroid 17-alpha-monooxygenase. Review status: criteria provided, single submitter. Criteria: ACMG Guidelines, 2015. Collection method: clinical testing. Allele origin: germline. Affected: yes.
Comment: Absent from controls (or at extremely low frequency if recessive) in Genome Aggregation Database, Exome Sequencing Project, 1000 Genomes Project, or Exome Aggregation Consortium.;For recessive disorders, detected in trans with a pathogenic variant.;Patient's phenotype or family history is highly specific for a disease with a single genetic etiology.;Well-established in vitro or in vivo functional studies supportive of a damaging effect on the gene or gene product.

Literature cited by the submitters: PubMed 1515452 (cited by Labcorp Genetics (formerly Invitae), Labcorp and Natera, Inc.); PubMed 9888582 (cited by Labcorp Genetics (formerly Invitae), Labcorp); PubMed 10720067 (cited by Labcorp Genetics (formerly Invitae), Labcorp); PubMed 16483711 (cited by Labcorp Genetics (formerly Invitae), Labcorp); PubMed 35043964 (cited by Natera, Inc.).

NM_000102.4(CYP17A1):c.1486C>T (p.Arg496Cys)

Gene: CYP17A1 (cytochrome P450 family 17 subfamily A member 1; minus strand). Cytogenetic location: 10q24.32.
Variant type: single nucleotide variant.
Coding change: c.1486C>T on transcript NM_000102.4 (MANE Select); coding-DNA position 1486, C replaced by T.
Protein change: p.Arg496Cys; replaces arginine 496 with cysteine.
Molecular consequence: missense variant.
Genome position (GRCh38, 1-based): chr10:102,830,743, G>A on the plus strand (C>T on the coding strand, the complement: CYP17A1 is on the minus strand). VCF-style: chr10-102830743-G-A. GRCh37 (hg19) VCF-style: chr10-104590500-G-A.
Other names: c.1486C>T (NM_000102.3); short protein forms R496C.
Identifiers: ClinVar variation 1524567 (VCV001524567.11), dbSNP rs1250463562, ClinGen allele CA377937874.